The following is an entry in ClinVar:

ClinVar aggregate classification (germline): Uncertain significance. Review status: criteria provided, multiple submitters, no conflicts (2 of 4 stars). 2 submissions from 2 submitters: Uncertain significance (2). Last evaluated 2025-04-02.

Conditions:
Mitochondrial hypertrophic cardiomyopathy with lactic acidosis due to MTO1 deficiency. Also called: CARDIOMYOPATHY, INFANTILE HYPERTROPHIC MITOCHONDRIAL, AND LACTIC ACIDOSIS; Combined oxidative phosphorylation deficiency 10. Identifiers: Orphanet 314637, MedGen C4749921, MONDO:0013865, OMIM 614702.
Inborn genetic diseases. Identifiers: MedGen C0950123, MeSH D030342.

Allele frequency attached by ClinVar (database versions not stated): ExAC 0.00002; gnomAD 0.00002; ESP Exome Variant Server 0.00015; TOPMed 0.00004.
gnomAD v4.1: 78 of 1,614,010 alleles (0.0048%); highest among the groups gnomAD compares: Non-Finnish European, 0.0058%; no homozygotes.

Submissions (2):

Ambry Genetics
Classification: Uncertain significance for Inborn genetic diseases. Last evaluated: 2025-04-02. Review status: criteria provided, single submitter. Criteria: Ambry Variant Classification Scheme 2023. Collection method: clinical testing. Allele origin: germline.

Labcorp Genetics (formerly Invitae), Labcorp
Classification: Uncertain significance for Mitochondrial hypertrophic cardiomyopathy with lactic acidosis due to MTO1 deficiency. Last evaluated: 2022-07-19. Review status: criteria provided, single submitter. Criteria: Invitae Variant Classification Sherloc (09022015). Collection method: clinical testing. Allele origin: germline.
Comment: This sequence change replaces arginine, which is basic and polar, with histidine, which is basic and polar, at codon 464 of the MTO1 protein (p.Arg464His). This variant is present in population databases (rs141970072, gnomAD 0.003%). This variant has not been reported in the literature in individuals affected with MTO1-related conditions. ClinVar contains an entry for this variant (Variation ID: 835604). Algorithms developed to predict the effect of missense changes on protein structure and function are either unavailable or do not agree on the potential impact of this missense change (SIFT: "Deleterious"; PolyPhen-2: "Benign"; Align-GVGD: "Class C0"). This variant disrupts the p.Arg464 amino acid residue in MTO1. Other variant(s) that disrupt this residue have been determined to be pathogenic (PMID: 26061759, 27256614, 29331171). This suggests that this residue is clinically significant, and that variants that disrupt this residue are likely to be disease-causing. In summary, the available evidence is currently insufficient to determine the role of this variant in disease. Therefore, it has been classified as a Variant of Uncertain Significance.

Literature cited by the submitters: PubMed 26061759 (cited by Labcorp Genetics (formerly Invitae), Labcorp); PubMed 27256614 (cited by Labcorp Genetics (formerly Invitae), Labcorp); PubMed 29331171 (cited by Labcorp Genetics (formerly Invitae), Labcorp).

NM_012123.4(MTO1):c.1391G>A (p.Arg464His)

Gene: MTO1 (mitochondrial tRNA translation optimization 1; plus strand). Cytogenetic location: 6q13.
Variant type: single nucleotide variant.
Coding change: c.1391G>A on transcript NM_012123.4 (MANE Select); coding-DNA position 1391, G replaced by A.
Protein change: p.Arg464His; replaces arginine 464 with histidine.
Molecular consequence: missense variant.
Genome position (GRCh38, 1-based): chr6:73,482,170, G>A. VCF-style: chr6-73482170-G-A. GRCh37 (hg19) VCF-style: chr6-74191893-G-A.
Other names: c.1511G>A, p.Arg504His (NM_001123226.2); c.1466G>A, p.Arg489His (NM_133645.3); c.1511G>A (NM_001123226.1); short protein forms R464H, R504H, R489H.
Identifiers: ClinVar variation 835604 (VCV000835604.8), dbSNP rs141970072, ClinGen allele CA3889633.